The following is an entry in ClinVar:

ClinVar aggregate classification (germline): Benign/Likely benign. Review status: criteria provided, multiple submitters, no conflicts (2 of 4 stars). 9 submissions from 9 submitters: Benign (1); Likely benign (7). 1 of the submissions does not count toward it. Last evaluated 2026-01-26.

Conditions:
PRDM5-related disorder. Also called: PRDM5-related condition.
Cardiovascular phenotype. Identifiers: MedGen CN230736.
Ehlers-Danlos syndrome (EDS). Identifiers: Orphanet 98249, MedGen C0013720, MONDO:0020066.

Allele frequency attached by ClinVar (database versions not stated): gnomAD 0.00030 and 0.00047; TOPMed 0.00034; ESP Exome Variant Server 0.00046; gnomAD exomes 0.00063 and 0.00091; ExAC 0.00087; 1000 Genomes Project 0.00100; 1000 Genomes Project 30x 0.00109.
gnomAD v4.1: 995 of 1,614,008 alleles (0.062%); highest among the groups gnomAD compares: South Asian, 0.48%; 5 homozygotes.

Submissions (9):

Labcorp Genetics (formerly Invitae), Labcorp
Classification: Likely benign. Last evaluated: 2026-01-26. Review status: criteria provided, single submitter. Criteria: Invitae Variant Classification Sherloc (09022015). Collection method: clinical testing. Allele origin: germline.

Mayo Clinic Laboratories, Mayo Clinic
Classification: Likely benign. Last evaluated: 2025-08-12. Review status: criteria provided, single submitter. Criteria: ACMG Guidelines, 2015. Collection method: clinical testing. Allele origin: germline. Observed: 7 variant alleles.
Comment: BS1, BP4

CeGaT Center for Human Genetics Tuebingen
Classification: Likely benign. Last evaluated: 2025-07-01. Review status: criteria provided, single submitter. Criteria: CeGaT Center For Human Genetics Tuebingen Variant Classification Criteria Version 2. Collection method: clinical testing. Allele origin: germline. Affected: yes. Observed: 3 variant alleles.
Comment: PRDM5: BS2

Women's Health and Genetics/Laboratory Corporation of America, LabCorp
Classification: Likely benign. Last evaluated: 2025-07-01. Review status: criteria provided, single submitter. Criteria: LabCorp Variant Classification Summary - May 2015. Collection method: clinical testing. Allele origin: germline.
Comment: Variant summary: PRDM5 c.1633T>C (p.Tyr545His) results in a conservative amino acid change in the encoded protein sequence. Algorithms developed to predict the effect of missense changes on protein structure and function are either unavailable or do not agree on the potential impact of this missense change. The variant allele was found at a frequency of 0.00091 in 250622 control chromosomes, predominantly at a frequency of 0.0046 within the South Asian subpopulation in the gnomAD database, including 3 homozygotes. The observed variant frequency within South Asian control individuals in the gnomAD database exceeds the estimated maximal expected allele frequency for a pathogenic variant in PRDM5 causing Brittle cornea syndrome 2 phenotype. To our knowledge, no occurrence of c.1633T>C in individuals affected with Brittle cornea syndrome 2 and no experimental evidence demonstrating its impact on protein function have been reported. ClinVar contains an entry for this variant (Variation ID: 347432). Based on the evidence outlined above, the variant was classified as likely benign.

Blueprint Genetics
Classification: Likely benign. Last evaluated: 2024-10-24. Review status: criteria provided, single submitter. Criteria: ACMG Guidelines, 2015. Collection method: clinical testing. Allele origin: germline.

GeneDx
Classification: Likely benign. Last evaluated: 2022-09-13. Review status: criteria provided, single submitter. Criteria: GeneDx Variant Classification Process June 2021. Collection method: clinical testing. Allele origin: germline. Affected: yes.
Comment: See Variant Classification Assertion Criteria.

Genome Diagnostics Laboratory, The Hospital for Sick Children
Classification: Likely benign for Ehlers-Danlos syndrome. Last evaluated: 2021-06-14. Review status: criteria provided, single submitter. Criteria: ACMG Guidelines, 2015. Collection method: clinical testing. Allele origin: germline.

Ambry Genetics
Classification: Benign for Cardiovascular phenotype. Last evaluated: 2019-05-17. Review status: criteria provided, single submitter. Criteria: Ambry Variant Classification Scheme 2023. Collection method: clinical testing. Allele origin: germline.

PreventionGenetics, part of Exact Sciences
Classification: Likely benign for PRDM5-related condition. Last evaluated: 2023-12-01. Review status: no assertion criteria provided. Collection method: clinical testing. Allele origin: germline. Not counted in ClinVar's aggregate classification.
Comment: This variant is classified as likely benign based on ACMG/AMP sequence variant interpretation guidelines (Richards et al. 2015 PMID: 25741868, with internal and published modifications).

NM_018699.4(PRDM5):c.1633T>C (p.Tyr545His)

Gene: PRDM5 (PR/SET domain 5; minus strand). Cytogenetic location: 4q27.
Variant type: single nucleotide variant.
Coding change: c.1633T>C on transcript NM_018699.4 (MANE Select); coding-DNA position 1633, T replaced by C.
Protein change: p.Tyr545His; replaces tyrosine 545 with histidine.
Molecular consequence: missense variant. On other transcripts: intron variant (1).
Genome position (GRCh38, 1-based): chr4:120,710,404, A>G on the plus strand (T>C on the coding strand, the complement: PRDM5 is on the minus strand). VCF-style: chr4-120710404-A-G. GRCh37 (hg19) VCF-style: chr4-121631559-A-G.
Other names: p.Tyr545His; c.1540T>C, p.Tyr514His (NM_001300823.2); c.1454T>C, p.Val485Ala (NM_001300824.2); c.1666T>C, p.Tyr556His (NM_001379104.1); c.1531-15129T>C (NM_001379106.1); short protein forms Y545H, V485A, Y514H, Y556H.
Identifiers: ClinVar variation 347432 (VCV000347432.66), dbSNP rs142515463, ClinGen allele CA3060982.